The following is an entry in ClinVar:

NM_014000.3(VCL):c.844G>A (p.Gly282Ser)

Gene: VCL (vinculin; plus strand). Cytogenetic location: 10q22.2.
Variant type: single nucleotide variant.
Coding change: c.844G>A on transcript NM_014000.3 (MANE Select); coding-DNA position 844, G replaced by A.
Protein change: p.Gly282Ser; replaces glycine 282 with serine.
Molecular consequence: missense variant.
Genome position (GRCh38, 1-based): chr10:74,082,514, G>A. VCF-style: chr10-74082514-G-A. GRCh37 (hg19) VCF-style: chr10-75842272-G-A.
Other names: c.844G>A, p.Gly282Ser (NM_003373.4); short protein forms G282S.
Identifiers: ClinVar variation 4710915 (VCV004710915.1).

ClinVar aggregate classification (germline): Uncertain significance (1 of 4 stars; one submission).

Conditions:
Dilated cardiomyopathy 1W (CMD1W). Identifiers: Orphanet 154, MedGen C1969639, MONDO:0012667, OMIM 611407.

gnomAD v4.1: 1 of 1,614,184 alleles (0.000062%); highest among the groups gnomAD compares: Non-Finnish European, 0.000085%; no homozygotes.

Submission:

Labcorp Genetics (formerly Invitae), Labcorp
Classification: Uncertain significance for Dilated cardiomyopathy 1W. Last evaluated: 2025-07-09. Review status: criteria provided, single submitter. Criteria: Invitae Variant Classification Sherloc (09022015). Collection method: clinical testing. Allele origin: germline.
Comment: This sequence change replaces glycine, which is neutral and non-polar, with serine, which is neutral and polar, at codon 282 of the VCL protein (p.Gly282Ser). This variant is not present in population databases (gnomAD no frequency). This variant has not been reported in the literature in individuals affected with VCL-related conditions. An algorithm developed to predict the effect of missense changes on protein structure and function (PolyPhen-2) suggests that this variant is likely to be tolerated. In summary, the available evidence is currently insufficient to determine the role of this variant in disease. Therefore, it has been classified as a Variant of Uncertain Significance.